The following is an entry in ClinVar:

NM_002439.5(MSH3):c.666C>A (p.Asn222Lys)

Gene: MSH3 (mutS homolog 3; plus strand). Cytogenetic location: 5q14.1.
Variant type: single nucleotide variant.
Coding change: c.666C>A on transcript NM_002439.5 (MANE Select); coding-DNA position 666, C replaced by A.
Protein change: p.Asn222Lys; replaces asparagine 222 with lysine.
Molecular consequence: missense variant.
Genome position (GRCh38, 1-based): chr5:80,670,183, C>A. VCF-style: chr5-80670183-C-A. GRCh37 (hg19) VCF-style: chr5-79966002-C-A.
Other names: c.666C>A (NM_002439.3); short protein forms N222K.
Identifiers: ClinVar variation 2896761 (VCV002896761.4), dbSNP rs2546721120, ClinGen allele CA360266689.

ClinVar aggregate classification (germline): Uncertain significance. Review status: criteria provided, multiple submitters, no conflicts (2 of 4 stars). 2 submissions from 2 submitters: Uncertain significance (2). Last evaluated 2025-06-12.

Conditions:
Hereditary cancer-predisposing syndrome. Also called: Neoplastic Syndromes, Hereditary; Hereditary neoplastic syndrome; Tumor predisposition; Hereditary Cancer Syndrome. Identifiers: Orphanet 140162, MedGen C0027672, MeSH D009386, MONDO:0015356.

Submissions (2):

Ambry Genetics
Classification: Uncertain significance for Hereditary cancer-predisposing syndrome. Last evaluated: 2025-06-12. Review status: criteria provided, single submitter. Criteria: Ambry Variant Classification Scheme 2023. Collection method: clinical testing. Allele origin: germline.
Comment: The p.N222K variant (also known as c.666C>A), located in coding exon 4 of the MSH3 gene, results from a C to A substitution at nucleotide position 666. The asparagine at codon 222 is replaced by lysine, an amino acid with similar properties. This amino acid position is conserved. In addition, this alteration is predicted to be tolerated by in silico analysis. Based on the available evidence, the clinical significance of this variant remains unclear.

Labcorp Genetics (formerly Invitae), Labcorp
Classification: Uncertain significance. Last evaluated: 2025-05-30. Review status: criteria provided, single submitter. Criteria: Invitae Variant Classification Sherloc (09022015). Collection method: clinical testing. Allele origin: germline.
Comment: This sequence change replaces asparagine, which is neutral and polar, with lysine, which is basic and polar, at codon 222 of the MSH3 protein (p.Asn222Lys). This variant is not present in population databases (gnomAD no frequency). This variant has not been reported in the literature in individuals affected with MSH3-related conditions. ClinVar contains an entry for this variant (Variation ID: 2896761). An algorithm developed to predict the effect of missense changes on protein structure and function (PolyPhen-2) suggests that this variant is likely to be tolerated. In summary, the available evidence is currently insufficient to determine the role of this variant in disease. Therefore, it has been classified as a Variant of Uncertain Significance.